The following is an entry in ClinVar:

ClinVar aggregate classification (germline): Uncertain significance (1 of 4 stars; one submission).

Submission:

Ambry Genetics
Classification: Uncertain significance. Last evaluated: 2022-09-14. Review status: criteria provided, single submitter. Criteria: Ambry Variant Classification Scheme 2023. Collection method: clinical testing. Allele origin: germline.
Comment: The c.2175_2178dupTATA (p.L727Yfs*4) alteration, located in exon 9 (coding exon 8) of the WAPL gene, consists of a duplication of TATA at position 2175, causing a translational frameshift with a predicted alternate stop codon after 4 amino acids. This alteration is expected to result in premature protein truncation or nonsense-mediated mRNA decay. However, loss of function of WAPL has not been established as a mechanism of disease. This variant was not reported in population-based cohorts in the Genome Aggregation Database (gnomAD). Based on insufficient or conflicting evidence, the clinical significance of this alteration remains unclear.

NM_015045.5(WAPL):c.2175_2178dup (p.Leu727fs)

Gene: WAPL (WAPL cohesin release factor; minus strand). Cytogenetic location: 10q23.2.
Variant type: Microsatellite.
Coding change: c.2175_2178dup on transcript NM_015045.5 (MANE Select); coding-DNA positions 2175 to 2178, 4 bases duplicated (TATA; older notation c.2175_2178dupTATA).
Protein change: p.Leu727fs; shifts the reading frame from leucine 727.
Molecular consequence: frameshift variant.
Genome position (GRCh38, 1-based): chr10:86,467,471-86,467,474, TATA duplicated on the plus strand (TATA on the coding strand, the reverse complement: WAPL is on the minus strand); duplicating any 4 consecutive bases within chr10:86,467,471-86,467,476 gives the same sequence; the c. name uses the placement nearest the transcript's 3' end. VCF-style (leftmost placement, unchanged base first): chr10-86467470-G-GTATA. GRCh37 (hg19) VCF-style: chr10-88227227-G-GTATA.
Other names: c.2157_2160dup, p.Leu721fs (NM_001318328.2); short protein forms L721fs, L727fs.
Identifiers: ClinVar variation 2394758 (VCV002394758.2), dbSNP rs2492512734, ClinGen allele CA2580615528.
Genomic context (GRCh38, chr10:86,467,470, plus strand): 5'-GTCGAATCATTAGATCTAAGCTAGCTCTATCAAGATCCATGTTCAAACGATCTCTACTCA[G>GTATA]TATATACATGAGGGCAGCTGTACAGAGGGACAGATTCTTCAACAGGCCAAAAAAAGAAAA-3'